The following is an entry in ClinVar:

NM_172364.5(CACNA2D4):c.994-3C>T

Gene: CACNA2D4 (calcium voltage-gated channel auxiliary subunit alpha2delta 4; minus strand). Cytogenetic location: 12p13.33.
Variant type: single nucleotide variant.
Coding change: c.994-3C>T on transcript NM_172364.5 (MANE Select); 3 bases into the intron before coding-DNA position 994, C replaced by T.
Molecular consequence: intron variant.
Genome position (GRCh38, 1-based): chr12:1,886,042, G>A on the plus strand (C>T on the coding strand, the complement: CACNA2D4 is on the minus strand). VCF-style: chr12-1886042-G-A. GRCh37 (hg19) VCF-style: chr12-1995208-G-A.
Identifiers: ClinVar variation 2055317 (VCV002055317.4), dbSNP rs2497246811, ClinGen allele CA2580085102.

ClinVar aggregate classification (germline): Uncertain significance (1 of 4 stars; one submission).

Allele frequency attached by ClinVar (database versions not stated): gnomAD exomes below 0.00001.
gnomAD v4.1: 2 of 1,611,908 alleles (0.00012%); highest among the groups gnomAD compares: Admixed American, 0.0033%; no homozygotes.

Submission:

Labcorp Genetics (formerly Invitae), Labcorp
Classification: Uncertain significance. Last evaluated: 2022-09-01. Review status: criteria provided, single submitter. Criteria: Invitae Variant Classification Sherloc (09022015). Collection method: clinical testing. Allele origin: germline.
Comment: In summary, the available evidence is currently insufficient to determine the role of this variant in disease. Therefore, it has been classified as a Variant of Uncertain Significance. Variants that disrupt the consensus splice site are a relatively common cause of aberrant splicing (PMID: 17576681, 9536098). Algorithms developed to predict the effect of sequence changes on RNA splicing suggest that this variant is not likely to affect RNA splicing. This variant has not been reported in the literature in individuals affected with CACNA2D4-related conditions. This variant is not present in population databases (gnomAD no frequency). This sequence change falls in intron 8 of the CACNA2D4 gene. It does not directly change the encoded amino acid sequence of the CACNA2D4 protein. It affects a nucleotide within the consensus splice site.

Literature cited by the submitters: PubMed 17576681; PubMed 9536098.